The following is an entry in ClinVar:

NM_000059.4(BRCA2):c.7224_7227del (p.Pro2409fs)

Gene: BRCA2 (BRCA2 DNA repair associated; plus strand). Cytogenetic location: 13q13.1.
Variant type: Deletion.
Coding change: c.7224_7227del on transcript NM_000059.4 (MANE Select); coding-DNA positions 7224 to 7227, 4 bases deleted (ACCT; older notation c.7224_7227delACCT).
Protein change: p.Pro2409fs; shifts the reading frame from proline 2409.
Molecular consequence: frameshift variant.
Genome position (GRCh38, 1-based): chr13:32,355,077-32,355,080, ACCT deleted. VCF-style (leftmost placement, unchanged base first): chr13-32355076-CACCT-C. GRCh37 (hg19) VCF-style: chr13-32929213-CACCT-C.
Other names: c.7224_7227delACCT (NM_000059.3); short protein forms P2409fs.
Identifiers: ClinVar variation 52292 (VCV000052292.3), dbSNP rs397507905, ClinGen allele CA024972.

ClinVar aggregate classification (germline): Pathogenic. Review status: reviewed by expert panel (3 of 4 stars). 2 submissions from 2 submitters: Pathogenic (1). 1 of the submissions does not count toward it. Last evaluated 2017-12-15.

Conditions:
Familial cancer of breast. Also called: BREAST CANCER, FAMILIAL; Hereditary breast cancer; hereditary breast carcinoma. Identifiers: Orphanet 227535, MedGen C0346153, MONDO:0016419, OMIM 114480. Disease mechanism: loss of function.
Breast-ovarian cancer, familial, susceptibility to, 2 (BROVCA2). Also called: BRCA2 Hereditary Breast and Ovarian Cancer. Identifiers: Orphanet 145, MedGen C2675520, MONDO:0012933, OMIM 612555. Disease mechanism: loss of function.

Submissions (2):

Evidence-based Network for the Interpretation of Germline Mutant Alleles (ENIGMA)
Classification: Pathogenic for Breast-ovarian cancer, familial, susceptibility to, 2. Last evaluated: 2017-12-15. Review status: reviewed by expert panel. Criteria: ENIGMA BRCA1/2 Classification Criteria (2017-06-29). Collection method: curation. Allele origin: germline. Study: ENIGMA.
Comment: Variant allele predicted to encode a truncated non-functional protein.

ClinVar Staff, National Center for Biotechnology Information (NCBI)
No classification provided. Condition: Familial cancer of breast. Review status: no classification provided. Collection method: literature only. Allele origin: germline. Affected: yes. Not counted in ClinVar's aggregate classification.

Literature cited by the submitters: PubMed 21702907 (cited by ClinVar Staff, National Center for Biotechnology Information (NCBI)).